The following is an entry in ClinVar:

ClinVar aggregate classification (germline): Conflicting classifications of pathogenicity. Review status: criteria provided, conflicting classifications (1 of 4 stars). 2 submissions from 2 submitters: Pathogenic (1); Uncertain significance (1). Last evaluated 2023-06-25.

Conditions:
Sotos syndrome (SOTOS). Also called: Distinctive facial appearance, overgrowth in childhood, and learning disabilities or delayed development; CEREBRAL GIGANTISM; Sotos' syndrome; CHROMOSOME 5q35 DELETION SYNDROME; SOTOS SYNDROME 1. Identifiers: Orphanet 821, MedGen C0175695, MONDO:0019349, OMIM 117550.

Submissions (2):

Labcorp Genetics (formerly Invitae), Labcorp
Classification: Uncertain significance. Last evaluated: 2023-06-25. Review status: criteria provided, single submitter. Criteria: Invitae Variant Classification Sherloc (09022015). Collection method: clinical testing. Allele origin: germline.
Comment: In summary, the available evidence is currently insufficient to determine the role of this variant in disease. Therefore, it has been classified as a Variant of Uncertain Significance. Variants that disrupt the consensus splice site are a relatively common cause of aberrant splicing (PMID: 17576681, 9536098). Algorithms developed to predict the effect of sequence changes on RNA splicing suggest that this variant may disrupt the consensus splice site. ClinVar contains an entry for this variant (Variation ID: 159334). This variant has not been reported in the literature in individuals affected with NSD1-related conditions. This variant is not present in population databases (gnomAD no frequency). This sequence change falls in intron 10 of the NSD1 gene. It does not directly change the encoded amino acid sequence of the NSD1 protein. It affects a nucleotide within the consensus splice site.

Genetic Services Laboratory, University of Chicago
Classification: Pathogenic for Sotos syndrome 1. Last evaluated: 2013-02-08. Review status: criteria provided, single submitter. Criteria: ACMG Guidelines, 2007. Collection method: clinical testing. Allele origin: germline. Inheritance: Autosomal dominant inheritance. Affected: yes.

Literature cited by the submitters: PubMed 17576681 (cited by Labcorp Genetics (formerly Invitae), Labcorp); PubMed 9536098 (cited by Labcorp Genetics (formerly Invitae), Labcorp).

NM_022455.5(NSD1):c.4498-3A>G

Gene: NSD1 (nuclear receptor binding SET domain protein 1; plus strand). Cytogenetic location: 5q35.3.
Variant type: single nucleotide variant.
Coding change: c.4498-3A>G on transcript NM_022455.5 (MANE Select); 3 bases into the intron before coding-DNA position 4498, A replaced by G.
Molecular consequence: intron variant.
Genome position (GRCh38, 1-based): chr5:177,248,178, A>G. VCF-style: chr5-177248178-A-G. GRCh37 (hg19) VCF-style: chr5-176675179-A-G.
Other names: c.4498-3A>G (NM_001409301.1, NM_001409302.1, NM_001409303.1); c.4078-3A>G (NM_001409304.1); c.3745-3A>G (NM_001409305.1); c.3625-3A>G (NM_001409306.1, NM_001409308.1, NM_001409307.1 and 3 more transcripts).
Identifiers: ClinVar variation 159334 (VCV000159334.9), dbSNP rs587784120, ClinGen allele CA294892.